The following is an entry in ClinVar:

NM_001291415.2(KDM6A):c.2970A>G (p.Pro990=)

Gene: KDM6A (lysine demethylase 6A; plus strand). Cytogenetic location: Xp11.3.
Variant type: single nucleotide variant.
Coding change: c.2970A>G on transcript NM_001291415.2 (MANE Select); coding-DNA position 2970, A replaced by G.
Protein change: p.Pro990=; no amino-acid change (proline 990 retained).
Molecular consequence: synonymous variant. On other transcripts: non-coding transcript variant (1).
Genome position (GRCh38, 1-based): chrX:45,076,808, A>G. VCF-style: chrX-45076808-A-G. GRCh37 (hg19) VCF-style: chrX-44936053-A-G.
Other names: c.2835A>G, p.Pro945= (NM_001291416.2); c.2679A>G, p.Pro893= (NM_001291417.2); c.2577A>G, p.Pro859= (NM_001291418.2); c.1926A>G, p.Pro642= (NM_001291421.2); c.2814A>G, p.Pro938= (NM_021140.4).
Identifiers: ClinVar variation 772602 (VCV000772602.12), dbSNP rs767248655, ClinGen allele CA10392576.

ClinVar aggregate classification (germline): Likely benign. Review status: criteria provided, multiple submitters, no conflicts (2 of 4 stars). 3 submissions from 3 submitters: Likely benign (2). 1 of the submissions does not count toward it. Last evaluated 2026-01-31.

Conditions:
KDM6A-related disorder. Also called: KDM6A-related condition.
Kabuki syndrome 2 (KABUK2). Also called: KDM6A-Related Kabuki Syndrome. Identifiers: Orphanet 2322, MedGen C3275495, MONDO:0010465, OMIM 300867.

Allele frequency attached by ClinVar (database versions not stated): gnomAD 0.00002; gnomAD exomes 0.00002 and 0.00011; ExAC 0.00006.
gnomAD v4.1: 27 of 1,198,926 alleles (0.0023%); highest among the groups gnomAD compares: Admixed American, 0.057%; no homozygotes.

Submissions (3):

Labcorp Genetics (formerly Invitae), Labcorp
Classification: Likely benign for Kabuki syndrome 2. Last evaluated: 2026-01-31. Review status: criteria provided, single submitter. Criteria: Invitae Variant Classification Sherloc (09022015). Collection method: clinical testing. Allele origin: germline.

Blueprint Genetics
Classification: Likely benign. Last evaluated: 2022-03-24. Review status: criteria provided, single submitter. Criteria: ACMG Guidelines, 2015. Collection method: clinical testing. Allele origin: germline.

PreventionGenetics, part of Exact Sciences
Classification: Likely benign for KDM6A-related condition. Last evaluated: 2021-12-02. Review status: no assertion criteria provided. Collection method: clinical testing. Allele origin: germline. Not counted in ClinVar's aggregate classification.
Comment: This variant is classified as likely benign based on ACMG/AMP sequence variant interpretation guidelines (Richards et al. 2015 PMID: 25741868, with internal and published modifications).